The following is an entry in ClinVar:

NM_032737.4(LMNB2):c.391G>A (p.Val131Ile)

Gene: LMNB2 (lamin B2; minus strand). Cytogenetic location: 19p13.3.
Variant type: single nucleotide variant.
Coding change: c.391G>A on transcript NM_032737.4 (MANE Select); coding-DNA position 391, G replaced by A.
Protein change: p.Val131Ile; replaces valine 131 with isoleucine.
Molecular consequence: missense variant.
Genome position (GRCh38, 1-based): chr19:2,444,414, C>T on the plus strand (G>A on the coding strand, the complement: LMNB2 is on the minus strand). VCF-style: chr19-2444414-C-T. GRCh37 (hg19) VCF-style: chr19-2444412-C-T.
Other names: short protein forms V131I.
Identifiers: ClinVar variation 2061672 (VCV002061672.4), dbSNP rs587780381, ClinGen allele CA9067926.
Genomic context (GRCh38, chr19:2,444,414, plus strand): 5'-CCCGTGGTGCCAGGATCAGGGTGACGTCGTGCCCAGCCGTGACCACTCACCTCTTGTTGA[C>T]CTCGTCCAACTCTGCCCTCAGCTTCCCAATCTCTATCTGCAGCCGGGCACGCTCTCGAGC-3'
Protein context (NP_116126.3, residues 121-141): IGKLRAELDE[Val131Ile]NKSAKKREGE

ClinVar aggregate classification (germline): Uncertain significance (1 of 4 stars; one submission).

Conditions:
Progressive myoclonic epilepsy type 9. Identifiers: Orphanet 457265, MedGen C4225289, MONDO:0014685, OMIM 616540.
Lipodystrophy, partial, acquired, susceptibility to (APLD). Also called: APLD, SUSCEPTIBILITY TO. Identifiers: MedGen C3887501, MONDO:0100476, OMIM 608709.

Allele frequency attached by ClinVar (database versions not stated): ExAC 0.00001; TOPMed 0.00002; gnomAD exomes 0.00001; gnomAD 0.00003.
gnomAD v4.1: 16 of 1,613,712 alleles (0.00099%); highest among the groups gnomAD compares: Middle Eastern, 0.016%; no homozygotes.

Submission:

Labcorp Genetics (formerly Invitae), Labcorp
Classification: Uncertain significance for Progressive myoclonic epilepsy type 9; Lipodystrophy, partial, acquired, susceptibility to. Last evaluated: 2025-04-03. Review status: criteria provided, single submitter. Criteria: Invitae Variant Classification Sherloc (09022015). Collection method: clinical testing. Allele origin: germline.
Comment: This sequence change replaces valine, which is neutral and non-polar, with isoleucine, which is neutral and non-polar, at codon 131 of the LMNB2 protein (p.Val131Ile). This variant is present in population databases (rs587780381, gnomAD 0.008%). This variant has not been reported in the literature in individuals affected with LMNB2-related conditions. ClinVar contains an entry for this variant (Variation ID: 2061672). Invitae Evidence Modeling of protein sequence and biophysical properties (such as structural, functional, and spatial information, amino acid conservation, physicochemical variation, residue mobility, and thermodynamic stability) indicates that this missense variant is not expected to disrupt LMNB2 protein function with a negative predictive value of 80%. In summary, the available evidence is currently insufficient to determine the role of this variant in disease. Therefore, it has been classified as a Variant of Uncertain Significance.